The following is an entry in ClinVar:

ClinVar aggregate classification (germline): Conflicting classifications of pathogenicity. Review status: criteria provided, conflicting classifications (1 of 4 stars). 5 submissions from 5 submitters: Uncertain significance (4); Likely benign (1). Last evaluated 2024-05-09.

Conditions:
Hereditary breast ovarian cancer syndrome. Also called: Breast and ovarian cancer; Hereditary breast and/or ovarian cancer syndrome; Hereditary breast and ovarian cancer; Hereditary breast and ovarian cancer syndrome (HBOC); BRCA1- and BRCA2-Associated Hereditary Breast and Ovarian Cancer; Hereditary breast and ovarian cancer syndrome. Identifiers: Orphanet 145, MedGen C0677776, MeSH D061325, MONDO:0003582. Disease mechanism: loss of function.
BRCA1-related cancer predisposition. Identifiers: MedGen CN377757, MONDO:0700268.
Hereditary cancer-predisposing syndrome. Also called: Hereditary Cancer Syndrome; Neoplastic Syndromes, Hereditary; Tumor predisposition; Hereditary neoplastic syndrome. Identifiers: Orphanet 140162, MedGen C0027672, MeSH D009386, MONDO:0015356.

Submissions (5):

All of Us Research Program, National Institutes of Health
Classification: Uncertain significance for BRCA1-related cancer predisposition. Last evaluated: 2024-05-09. Review status: criteria provided, single submitter. Criteria: ACMG Guidelines, 2015. Collection method: clinical testing. Allele origin: germline. Inheritance: Autosomal dominant inheritance. Observed: 1 variant allele, 1 heterozygote.
Comment: This missense variant replaces serine with threonine at codon 1178 of the BRCA1 protein. Computational prediction suggests that this variant may not impact protein structure and function (internally defined REVEL score threshold <= 0.5, PMID: 27666373). To our knowledge, functional studies have not been reported for this variant. This variant has not been reported in individuals affected with hereditary cancer in the literature. This variant has not been identified in the general population by the Genome Aggregation Database (gnomAD). The available evidence is insufficient to determine the role of this variant in disease conclusively. Therefore, this variant is classified as a Variant of Uncertain Significance.

This study involves interpretation of variants in research participants for the purpose of population health screening. Participant phenotype was not available at the time of variant classification. Additional details can be found in publication PMID: 35346344, PMCID: PMC8962531

Labcorp Genetics (formerly Invitae), Labcorp
Classification: Uncertain significance for Hereditary breast ovarian cancer syndrome. Last evaluated: 2024-02-27. Review status: criteria provided, single submitter. Criteria: Invitae Variant Classification Sherloc (09022015). Collection method: clinical testing. Allele origin: germline.
Comment: This sequence change replaces serine, which is neutral and polar, with threonine, which is neutral and polar, at codon 1178 of the BRCA1 protein (p.Ser1178Thr). This variant is not present in population databases (gnomAD no frequency). This variant has not been reported in the literature in individuals affected with BRCA1-related conditions. ClinVar contains an entry for this variant (Variation ID: 489716). Advanced modeling of protein sequence and biophysical properties (such as structural, functional, and spatial information, amino acid conservation, physicochemical variation, residue mobility, and thermodynamic stability) performed at Invitae indicates that this missense variant is not expected to disrupt BRCA1 protein function with a negative predictive value of 95%. In summary, the available evidence is currently insufficient to determine the role of this variant in disease. Therefore, it has been classified as a Variant of Uncertain Significance.

University of Washington Department of Laboratory Medicine, University of Washington
Classification: Likely benign for Hereditary cancer-predisposing syndrome. Last evaluated: 2023-03-23. Review status: criteria provided, single submitter. Criteria: Dines et al. (Genet Med. 2020). Collection method: curation. Allele origin: germline.
Comment: Missense variant in a coldspot region where missense variants are very unlikely to be pathogenic (PMID:31911673).

BRCA1 coldspot (exon 11 using historical exon numbering). Reclassification based on statistical prior probability

Color Diagnostics, LLC DBA Color Health
Classification: Uncertain significance for Hereditary cancer-predisposing syndrome. Last evaluated: 2021-08-30. Review status: criteria provided, single submitter. Criteria: ACMG Guidelines, 2015. Collection method: clinical testing. Allele origin: germline.
Comment: This missense variant replaces serine with threonine at codon 1178 of the BRCA1 protein. Computational prediction suggests that this variant may not impact protein structure and function (internally defined REVEL score threshold <= 0.5, PMID: 27666373). To our knowledge, functional studies have not been reported for this variant. This variant has not been reported in individuals affected with hereditary cancer in the literature. This variant has not been identified in the general population by the Genome Aggregation Database (gnomAD). The available evidence is insufficient to determine the role of this variant in disease conclusively. Therefore, this variant is classified as a Variant of Uncertain Significance.

Ambry Genetics
Classification: Uncertain significance for Hereditary cancer-predisposing syndrome. Last evaluated: 2021-06-23. Review status: criteria provided, single submitter. Criteria: Ambry Variant Classification Scheme 2023. Collection method: clinical testing. Allele origin: germline.
Comment: The p.S1178T variant (also known as c.3533G>C), located in coding exon 9 of the BRCA1 gene, results from a G to C substitution at nucleotide position 3533. The serine at codon 1178 is replaced by threonine, an amino acid with similar properties. This amino acid position is not well conserved in available vertebrate species. In addition, the in silico prediction for this alteration is inconclusive. Since supporting evidence is limited at this time, the clinical significance of this alteration remains unclear.

NM_007294.4(BRCA1):c.3533G>C (p.Ser1178Thr)

Genes: BRCA1 (BRCA1 DNA repair associated; minus strand), LOC126862571 (BRD4-independent group 4 enhancer GRCh37_chr17:41243136-41244335; plus strand). Cytogenetic location: 17q21.31.
Variant type: single nucleotide variant.
Coding change: c.3533G>C on transcript NM_007294.4 (MANE Select); coding-DNA position 3533, G replaced by C.
Protein change: p.Ser1178Thr; replaces serine 1178 with threonine.
Molecular consequence: missense variant. On other transcripts: intron variant (135).
Genome position (GRCh38, 1-based): chr17:43,091,998, C>G on the plus strand (G>C on the coding strand, the complement: BRCA1 is on the minus strand). VCF-style: chr17-43091998-C-G. GRCh37 (hg19) VCF-style: chr17-41244015-C-G.
Other names: c.3392G>C, p.Ser1131Thr (NM_001407724.1, NM_001407725.1, NM_001407726.1 and 29 more transcripts); c.3320G>C, p.Ser1107Thr (NM_001407571.1, NM_001407853.1, NM_001407894.1 and 9 more transcripts); c.3533G>C, p.Ser1178Thr (NM_001407581.1, NM_001407582.1, NM_001407583.1 and 30 more transcripts); c.3530G>C, p.Ser1177Thr (NM_001407587.1, NM_001407590.1, NM_001407591.1 and 22 more transcripts); c.3524G>C, p.Ser1175Thr (NM_001407646.1, NM_001407647.1); c.3410G>C, p.Ser1137Thr (NM_001407648.1, NM_001407664.1, NM_001407665.1 and 19 more transcripts); c.3407G>C, p.Ser1136Thr (NM_001407649.1, NM_001407670.1, NM_001407671.1 and 11 more transcripts); c.3455G>C, p.Ser1152Thr (NM_001407653.1, NM_001407654.1, NM_001407655.1 and 4 more transcripts); and 41 more; short protein forms S1178T, S1131T, S1010T, S1050T, S1051T, S1090T, S1151T, S1175T.
Identifiers: ClinVar variation 489716 (VCV000489716.15), dbSNP rs1294360179, ClinGen allele CA10594903.